The following is an entry in ClinVar:

ClinVar aggregate classification (germline): Uncertain significance. Review status: criteria provided, multiple submitters, no conflicts (2 of 4 stars). 4 submissions from 4 submitters: Uncertain significance (4). Last evaluated 2024-12-05.

Conditions:
Inborn genetic diseases. Identifiers: MedGen C0950123, MeSH D030342.
Fetal akinesia deformation sequence 1 (FADS1). Also called: Fetal akinesia sequence; Pena-Shokeir syndrome type I. Identifiers: Orphanet 994, MedGen C1276035, MONDO:0100101, OMIM 208150, HP:0001989.
Congenital myasthenic syndrome 10. Also called: Myasthenia, limb-girdle, familial. Identifiers: Orphanet 590, MedGen C1850792, MONDO:0009690, OMIM 254300.

Allele frequency attached by ClinVar (database versions not stated): gnomAD 0.00005 and 0.00006; TOPMed 0.00006; gnomAD exomes 0.00009; ExAC 0.00012; 1000 Genomes Project 30x 0.00016; 1000 Genomes Project 0.00020.
gnomAD v4.1: 265 of 1,611,122 alleles (0.016%); highest among the groups gnomAD compares: Middle Eastern, 0.022%; no homozygotes.

Submissions (4):

Labcorp Genetics (formerly Invitae), Labcorp
Classification: Uncertain significance for Congenital myasthenic syndrome 10; Fetal akinesia deformation sequence 1. Last evaluated: 2024-12-05. Review status: criteria provided, single submitter. Criteria: Invitae Variant Classification Sherloc (09022015). Collection method: clinical testing. Allele origin: germline.
Comment: This sequence change replaces arginine, which is basic and polar, with glutamine, which is neutral and polar, at codon 52 of the DOK7 protein (p.Arg52Gln). This variant is present in population databases (rs201953114, gnomAD 0.02%). This variant has not been reported in the literature in individuals affected with DOK7-related conditions. ClinVar contains an entry for this variant (Variation ID: 534118). Invitae Evidence Modeling of protein sequence and biophysical properties (such as structural, functional, and spatial information, amino acid conservation, physicochemical variation, residue mobility, and thermodynamic stability) indicates that this missense variant is not expected to disrupt DOK7 protein function with a negative predictive value of 80%. In summary, the available evidence is currently insufficient to determine the role of this variant in disease. Therefore, it has been classified as a Variant of Uncertain Significance.

Ambry Genetics
Classification: Uncertain significance for Inborn genetic diseases. Last evaluated: 2023-12-27. Review status: criteria provided, single submitter. Criteria: Ambry Variant Classification Scheme 2023. Collection method: clinical testing. Allele origin: germline.

GeneDx
Classification: Uncertain significance. Last evaluated: 2021-06-10. Review status: criteria provided, single submitter. Criteria: GeneDx Variant Classification Process June 2021. Collection method: clinical testing. Allele origin: germline. Affected: yes.
Comment: In silico analysis supports that this missense variant does not alter protein structure/function; Has not been previously published as pathogenic or benign to our knowledge; This variant is associated with the following publications: (PMID: 27535533, 26198629, 20603078, 20012313)

Revvity Omics, Revvity
Classification: Uncertain significance. Last evaluated: 2019-06-26. Review status: criteria provided, single submitter. Criteria: ACMG Guidelines, 2015. Collection method: clinical testing. Allele origin: germline.

NM_173660.5(DOK7):c.155G>A (p.Arg52Gln)

Gene: DOK7 (docking protein 7; plus strand). Cytogenetic location: 4p16.3.
Variant type: single nucleotide variant.
Coding change: c.155G>A on transcript NM_173660.5 (MANE Select); coding-DNA position 155, G replaced by A.
Protein change: p.Arg52Gln; replaces arginine 52 with glutamine.
Molecular consequence: missense variant. On other transcripts: intron variant (1).
Genome position (GRCh38, 1-based): chr4:3,473,460, G>A. VCF-style: chr4-3473460-G-A. GRCh37 (hg19) VCF-style: chr4-3475187-G-A.
Other names: c.155G>A, p.Arg52Gln (NM_001164673.2, NM_001301071.2); c.100+9909G>A (NM_001363811.2); short protein forms R52Q.
Identifiers: ClinVar variation 534118 (VCV000534118.11), dbSNP rs201953114, ClinGen allele CA2828891.